The following is an entry in ClinVar:

ClinVar aggregate classification (germline): Uncertain significance (1 of 4 stars; one submission).

Submission:

Women's Health and Genetics/Laboratory Corporation of America, LabCorp
Classification: Uncertain significance. Last evaluated: 2026-02-23. Review status: criteria provided, single submitter. Criteria: LabCorp Variant Classification Summary - May 2015. Collection method: clinical testing. Allele origin: germline.
Comment: Variant summary: VWF c.1056T>A (p.His352Gln) results in a non-conservative amino acid change in the encoded protein sequence. Algorithms developed to predict the effect of missense changes on protein structure and function are either unavailable or do not agree on the potential impact of this missense change. The variant was absent in 251382 control chromosomes. The available data on variant occurrences in the general population are insufficient to allow any conclusion about variant significance. To our knowledge, no occurrence of c.1056T>A in individuals affected with VWF-related conditions and no experimental evidence demonstrating its impact on protein function have been reported. No submitters have cited clinical-significance assessments for this variant to ClinVar. Based on the evidence outlined above, the variant was classified as uncertain significance.

NM_000552.5(VWF):c.1056T>A (p.His352Gln)

Gene: VWF (von Willebrand factor; minus strand). Cytogenetic location: 12p13.31.
Variant type: single nucleotide variant.
Coding change: c.1056T>A on transcript NM_000552.5 (MANE Select); coding-DNA position 1056, T replaced by A.
Protein change: p.His352Gln; replaces histidine 352 with glutamine.
Molecular consequence: missense variant.
Genome position (GRCh38, 1-based): chr12:6,072,384, A>T on the plus strand (T>A on the coding strand, the complement: VWF is on the minus strand). VCF-style: chr12-6072384-A-T. GRCh37 (hg19) VCF-style: chr12-6181550-A-T.
Other names: short protein forms H352Q.
Identifiers: ClinVar variation 4848164 (VCV004848164.1).